The following is an entry in ClinVar:

ClinVar aggregate classification (germline): Uncertain significance (1 of 4 stars; one submission).

Allele frequency attached by ClinVar (database versions not stated): gnomAD exomes 0.00013 and 0.00020; ESP Exome Variant Server 0.00015; ExAC 0.00020.
gnomAD v4.1: 209 of 1,613,684 alleles (0.013%); highest among the groups gnomAD compares: Non-Finnish European, 0.0099%; no homozygotes.

Submission:

Labcorp Genetics (formerly Invitae), Labcorp
Classification: Uncertain significance. Last evaluated: 2025-11-11. Review status: criteria provided, single submitter. Criteria: Invitae Variant Classification Sherloc (09022015). Collection method: clinical testing. Allele origin: germline.
Comment: This sequence change replaces valine, which is neutral and non-polar, with leucine, which is neutral and non-polar, at codon 149 of the MCM5 protein (p.Val149Leu). This variant is present in population databases (rs34391116, gnomAD 0.2%), and has an allele count higher than expected for a pathogenic variant. This variant has not been reported in the literature in individuals affected with MCM5-related conditions. ClinVar contains an entry for this variant (Variation ID: 1491049). Invitae Evidence Modeling of protein sequence and biophysical properties (such as structural, functional, and spatial information, amino acid conservation, physicochemical variation, residue mobility, and thermodynamic stability) indicates that this missense variant is not expected to disrupt MCM5 protein function with a negative predictive value of 80%. Experimental studies have shown that this missense change affects MCM5 function (PMID: 19481678). In summary, the available evidence is currently insufficient to determine the role of this variant in disease. Therefore, it has been classified as a Variant of Uncertain Significance.

Literature cited by the submitters: PubMed 19481678.

NM_006739.4(MCM5):c.445G>C (p.Val149Leu)

Gene: MCM5 (minichromosome maintenance complex component 5; plus strand). Cytogenetic location: 22q12.3.
Variant type: single nucleotide variant.
Coding change: c.445G>C on transcript NM_006739.4 (MANE Select); coding-DNA position 445, G replaced by C.
Protein change: p.Val149Leu; replaces valine 149 with leucine.
Molecular consequence: missense variant.
Genome position (GRCh38, 1-based): chr22:35,406,574, G>C. VCF-style: chr22-35406574-G-C. GRCh37 (hg19) VCF-style: chr22-35802567-G-C.
Other names: short protein forms V149L.
Identifiers: ClinVar variation 1491049 (VCV001491049.6), dbSNP rs34391116, ClinGen allele CA10205036.